The following is an entry in ClinVar:

Conditions:
Breast-ovarian cancer, familial, susceptibility to, 1 (BROVCA1). Also called: BRCA1 Hereditary Breast and Ovarian Cancer; OVARIAN CANCER, SUSCEPTIBILITY TO. Identifiers: Orphanet 145, MedGen C2676676, MONDO:0011450, OMIM 604370. Disease mechanism: loss of function.

Submission:

Brotman Baty Institute, University of Washington
No classification provided (evidence only). Condition: Breast-ovarian cancer, familial 1. Review status: no classification provided. Collection method: in vitro. Allele origin: not applicable. Functional consequence: functionally_normal.
ClinVar note: "not provided" was previously submitted as the classification for the variant. However, the classification appeared to be based only on an observation of functional data so it was converted to no classification on 2025-07-30.

NM_007294.4(BRCA1):c.5007C>G (p.Ala1669=)

Gene: BRCA1 (BRCA1 DNA repair associated; minus strand). Cytogenetic location: 17q21.31.
Variant type: single nucleotide variant.
Coding change: c.5007C>G on transcript NM_007294.4 (MANE Select); coding-DNA position 5007, C replaced by G.
Protein change: p.Ala1669=; no amino-acid change (alanine 1669 retained).
Molecular consequence: synonymous variant. On other transcripts: intron variant (1).
Genome position (GRCh38, 1-based): chr17:43,067,675, G>C on the plus strand (C>G on the coding strand, the complement: BRCA1 is on the minus strand). VCF-style: chr17-43067675-G-C. GRCh37 (hg19) VCF-style: chr17-41219692-G-C.
Other names: c.4794C>G, p.Ala1598= (NM_001407571.1, NM_001407894.1, NM_001407895.1 and 12 more transcripts); c.5073C>G, p.Ala1691= (NM_001407581.1, NM_001407582.1); c.5070C>G, p.Ala1690= (NM_001407583.1, NM_001407585.1, NM_001407587.1 and 1 more transcripts); c.5067C>G, p.Ala1689= (NM_001407590.1, NM_001407591.1); c.5007C>G, p.Ala1669= (NM_001407593.1, NM_001407594.1, NM_001407596.1 and 8 more transcripts); c.5004C>G, p.Ala1668= (NM_001407610.1, NM_001407611.1, NM_001407612.1 and 17 more transcripts); c.5001C>G, p.Ala1667= (NM_001407627.1, NM_001407628.1, NM_001407629.1 and 14 more transcripts); c.4998C>G, p.Ala1666= (NM_001407644.1, NM_001407645.1); and 71 more.
Identifiers: ClinVar variation 865525 (VCV000865525.3), dbSNP rs751856943, ClinGen allele CA500146383.